The following is an entry in ClinVar:

ClinVar aggregate classification (germline): Uncertain significance (1 of 4 stars; one submission).

Conditions:
Hereditary cancer-predisposing syndrome. Also called: Tumor predisposition; Hereditary Cancer Syndrome; Neoplastic Syndromes, Hereditary; Hereditary neoplastic syndrome. Identifiers: Orphanet 140162, MedGen C0027672, MeSH D009386, MONDO:0015356.

Submission:

Color Diagnostics, LLC DBA Color Health
Classification: Uncertain significance for Hereditary cancer-predisposing syndrome. Last evaluated: 2025-08-26. Review status: criteria provided, single submitter. Criteria: ACMG Guidelines, 2015. Collection method: clinical testing. Allele origin: germline.
Comment: This missense variant replaces asparagine with lysine at codon 602 of the BRCA1 protein. Computational prediction suggests that this variant may not impact protein structure and function. To our knowledge, functional studies have not been reported for this variant. This variant has not been reported in individuals affected with BRCA1-related disorders in the literature. This variant has not been identified in the general population by the Genome Aggregation Database (gnomAD). The available evidence is insufficient to determine the role of this variant in disease conclusively. Therefore, this variant is classified as a Variant of Uncertain Significance.

NM_007294.4(BRCA1):c.1806T>G (p.Asn602Lys)

Gene: BRCA1 (BRCA1 DNA repair associated; minus strand). Cytogenetic location: 17q21.31.
Variant type: single nucleotide variant.
Coding change: c.1806T>G on transcript NM_007294.4 (MANE Select); coding-DNA position 1806, T replaced by G.
Protein change: p.Asn602Lys; replaces asparagine 602 with lysine.
Molecular consequence: missense variant. On other transcripts: intron variant (137).
Genome position (GRCh38, 1-based): chr17:43,093,725, A>C on the plus strand (T>G on the coding strand, the complement: BRCA1 is on the minus strand). VCF-style: chr17-43093725-A-C. GRCh37 (hg19) VCF-style: chr17-41245742-A-C.
Other names: c.1593T>G, p.Asn531Lys (NM_001407918.1, NM_001407571.1, NM_001407853.1 and 9 more transcripts); c.1683T>G, p.Asn561Lys (NM_001407919.1, NM_001407648.1, NM_001407664.1 and 19 more transcripts); c.1542T>G, p.Asn514Lys (NM_001407920.1, NM_001407921.1, NM_001407922.1 and 9 more transcripts); c.1539T>G, p.Asn513Lys (NM_001407932.1, NM_001407931.1, NM_001407934.1 and 2 more transcripts); c.1806T>G, p.Asn602Lys (NM_001407582.1, NM_001407581.1, NM_001407583.1 and 30 more transcripts); c.1803T>G, p.Asn601Lys (NM_001407587.1, NM_001407590.1, NM_001407591.1 and 22 more transcripts); c.1797T>G, p.Asn599Lys (NM_001407646.1, NM_001407647.1); c.1680T>G, p.Asn560Lys (NM_001407649.1, NM_001407670.1, NM_001407671.1 and 11 more transcripts); and 40 more; short protein forms N306K, N434K, N474K, N475K, N490K, N491K, N513K, N514K.
Identifiers: ClinVar variation 4758076 (VCV004758076.1).